The following is an entry in ClinVar:

NM_000540.3(RYR1):c.12791GCGCGG[3] (p.4264GA[3])

Gene: RYR1 (ryanodine receptor 1; plus strand). Cytogenetic location: 19q13.2.
Variant type: Microsatellite.
Coding change: c.12791GCGCGG[3] on transcript NM_000540.3 (MANE Select); three copies in a row of the 6-base unit GCGCGG starting at c.12791; the reference has two copies in a row; one copy, 6 bases duplicated; also written c.12797_12802dup.
Protein change: p.4264GA[3].
Molecular consequence: inframe insertion.
Genome position (GRCh38, 1-based): chr19:38,565,131-38,565,136, GCGCGG duplicated; duplicating any 6 consecutive bases within chr19:38,565,123-38,565,136 gives the same sequence; the position shown is the placement nearest the transcript's 3' end. VCF-style (leftmost placement, unchanged base first): chr19-38565122-A-AGGGCGC. GRCh37 (hg19) VCF-style: chr19-39055762-A-AGGGCGC.
Other names: c.12797_12802dup (NM_000540.3); c.12776GCGCGG[3], p.4259GA[3] (NM_001042723.2).
Identifiers: ClinVar variation 1405280 (VCV001405280.10), dbSNP rs776979677, ClinGen allele CA059435.

ClinVar aggregate classification (germline): Uncertain significance. Review status: criteria provided, multiple submitters, no conflicts (2 of 4 stars). 3 submissions from 3 submitters: Uncertain significance (3). Last evaluated 2025-10-19.

Conditions:
Malignant hyperthermia, susceptibility to, 1 (MHS1). Also called: RYR1-Related Malignant Hyperthermia Susceptibility; Malignant hyperthermia suceptibility 1; Anesthesia related hyperthermia; Malignant hyperpyrexia; Fulminating hyperpyrexia; Pharmacogenic myopathy. Identifiers: Orphanet 423, MedGen C2930980, MONDO:0007783, OMIM 145600.
King Denborough syndrome (KDS). Identifiers: MedGen C1840365, MONDO:0020485, OMIM 619542.
Central core myopathy (CMYO1A). Also called: CONGENITAL MYOPATHY 1A, AUTOSOMAL DOMINANT, WITH SUSCEPTIBILITY TO MALIGNANT HYPERTHERMIA; Central core disease; Myopathy, central fibrillar. Identifiers: Orphanet 597, MedGen C5830701, MONDO:0007294, OMIM 117000.
Congenital multicore myopathy with external ophthalmoplegia (CMYO1B). Also called: MULTIMINICORE DISEASE WITH EXTERNAL OPHTHALMOPLEGIA; MULTICORE MYOPATHY; Congenital myopathy 1B, autosomal recessive; Minicore myopathy; Minicore myopathy with external ophthalmoplegia. Identifiers: Orphanet 598, Orphanet 98905, MedGen C1850674, MONDO:0009712, OMIM 255320, HP:0003789.
RYR1-related disorder. Also called: RYR1-related disorders; RYR1-related condition. Identifiers: MedGen CN239331.

Submissions (3):

Labcorp Genetics (formerly Invitae), Labcorp
Classification: Uncertain significance for RYR1-related disorder. Last evaluated: 2025-10-19. Review status: criteria provided, single submitter. Criteria: Invitae Variant Classification Sherloc (09022015). Collection method: clinical testing. Allele origin: germline.
Comment: This variant, c.12797_12802dup, results in the insertion of 2 amino acid(s) of the RYR1 protein (p.Gly4266_Ala4267dup), but otherwise preserves the integrity of the reading frame. This variant is present in population databases (rs776979677, gnomAD 0.009%). This variant has not been reported in the literature in individuals affected with RYR1-related conditions. ClinVar contains an entry for this variant (Variation ID: 1405280). Experimental studies and prediction algorithms are not available or were not evaluated, and the functional significance of this variant is currently unknown. In summary, the available evidence is currently insufficient to determine the role of this variant in disease. Therefore, it has been classified as a Variant of Uncertain Significance.

GeneDx
Classification: Uncertain significance. Last evaluated: 2023-07-23. Review status: criteria provided, single submitter. Criteria: GeneDx Variant Classification Process June 2021. Collection method: clinical testing. Allele origin: germline. Affected: yes.
Comment: Not observed at a significant frequency in large population cohorts (gnomAD); In-frame insertion of 2 amino acids in a non-repeat region; Has not been previously published as pathogenic or benign to our knowledge

Juno Genomics, Hangzhou Juno Genomics, Inc
Classification: Uncertain significance for Central core myopathy; Congenital multicore myopathy with external ophthalmoplegia; Malignant hyperthermia, susceptibility to, 1; King Denborough syndrome. Review status: criteria provided, single submitter. Criteria: ACMG Guidelines, 2015. Collection method: clinical testing. Allele origin: germline.
Comment: Absent from controls (or at extremely low frequency if recessive) in Genome Aggregation Database.;Protein length changes due to in-frame deletions/insertions in a non-repeat region or stop-loss variants.